The following is an entry in ClinVar:

NM_007194.4(CHEK2):c.949A>G (p.Lys317Glu)

Gene: CHEK2 (checkpoint kinase 2; minus strand). Cytogenetic location: 22q12.1.
Variant type: single nucleotide variant.
Coding change: c.949A>G on transcript NM_007194.4 (MANE Select); coding-DNA position 949, A replaced by G.
Protein change: p.Lys317Glu; replaces lysine 317 with glutamic acid.
Molecular consequence: missense variant.
Genome position (GRCh38, 1-based): chr22:28,699,897, T>C on the plus strand (A>G on the coding strand, the complement: CHEK2 is on the minus strand). VCF-style: chr22-28699897-T-C. GRCh37 (hg19) VCF-style: chr22-29095885-T-C.
Other names: c.286A>G, p.Lys96Glu (NM_001257387.3); c.748A>G, p.Lys250Glu (NM_001349956.3); c.949A>G, p.Lys317Glu (NM_145862.3); c.1078A>G, p.Lys360Glu (NM_001005735.3); short protein forms K317E, K96E, K250E, K360E.
Identifiers: ClinVar variation 142376 (VCV000142376.31), dbSNP rs587782416, ClinGen allele CA168192.

ClinVar aggregate classification (germline): Conflicting classifications of pathogenicity. Review status: criteria provided, conflicting classifications (1 of 4 stars). 11 submissions from 11 submitters: Uncertain significance (9); Likely benign (1). 1 of the submissions does not count toward it. Last evaluated 2026-04-06.

Conditions:
Breast and/or ovarian cancer. Identifiers: MedGen CN221562.
Hereditary cancer-predisposing syndrome. Also called: Hereditary neoplastic syndrome; Neoplastic Syndromes, Hereditary; Tumor predisposition; Hereditary Cancer Syndrome. Identifiers: Orphanet 140162, MedGen C0027672, MeSH D009386, MONDO:0015356.
CHEK2-related cancer predisposition (TPDS4). Also called: CHEK2-related cancer susceptibility; TUMOR PREDISPOSITION SYNDROME 4; CANCER PREDISPOSITION SYNDROME, CHEK2-RELATED. Identifiers: Orphanet 524, MedGen C5882668, MONDO:0700271, OMIM 609265.
Familial cancer of breast. Also called: hereditary breast carcinoma; BREAST CANCER, FAMILIAL; Hereditary breast cancer. Identifiers: Orphanet 227535, MedGen C0346153, MONDO:0016419, OMIM 114480. Disease mechanism: loss of function.

Allele frequency attached by ClinVar (database versions not stated): ExAC 0.00001; gnomAD 0.00001; gnomAD exomes 0.00001; TOPMed 0.00001.
gnomAD v4.1: 8 of 1,614,020 alleles (0.0005%); highest among the groups gnomAD compares: Non-Finnish European, 0.00059%; no homozygotes.

Submissions (11):

Women's Health and Genetics/Laboratory Corporation of America, LabCorp
Classification: Uncertain significance. Last evaluated: 2026-04-06. Review status: criteria provided, single submitter. Criteria: LabCorp Variant Classification Summary - May 2015. Collection method: clinical testing. Allele origin: germline.
Comment: Variant summary: CHEK2 c.949A>G (p.Lys317Glu) results in a conservative amino acid change in the encoded protein sequence. Algorithms developed to predict the effect of missense changes on protein structure and function all suggest that this variant is likely to be tolerated. The variant allele was found at a frequency of 8e-06 in 251486 control chromosomes. The available data on variant occurrences in the general population are insufficient to allow any conclusion about variant significance. c.949A>G has been observed in individual(s) affected with Hereditary Breast And Colorectal cancer (Bhai_2021, Yurgelun_2017). These report(s) do not provide unequivocal conclusions about association of the variant with Hereditary Breast And Ovarian Cancer Syndrome. To our knowledge, no experimental evidence demonstrating an impact on protein function has been reported. The following publications have been ascertained in the context of this evaluation (PMID: 34326862, 28135145). ClinVar contains an entry for this variant (Variation ID: 142376). Based on the evidence outlined above, the variant was classified as uncertain significance.

Labcorp Genetics (formerly Invitae), Labcorp
Classification: Uncertain significance for Familial cancer of breast. Last evaluated: 2026-01-28. Review status: criteria provided, single submitter. Criteria: Invitae Variant Classification Sherloc (09022015). Collection method: clinical testing. Allele origin: germline.
Comment: This sequence change replaces lysine, which is basic and polar, with glutamic acid, which is acidic and polar, at codon 317 of the CHEK2 protein (p.Lys317Glu). This variant is present in population databases (rs587782416, gnomAD 0.0009%). This missense change has been observed in individual(s) with breast cancer and colorectal cancer (PMID: 28135145, 34326862). ClinVar contains an entry for this variant (Variation ID: 142376). An algorithm developed to predict the effect of missense changes on protein structure and function (PolyPhen-2) suggests that this variant is likely to be tolerated. In summary, the available evidence is currently insufficient to determine the role of this variant in disease. Therefore, it has been classified as a Variant of Uncertain Significance.

Hema, HEMA – Genetic and Molecular Diagnostic Laboratory
Classification: Uncertain significance for CHEK2-related cancer predisposition. Last evaluated: 2025-08-04. Review status: criteria provided, single submitter. Criteria: HEMA Variant Classification Assertion Criteria. Collection method: clinical testing. Allele origin: germline.
Comment: It is a transition from cytosine to thymine, resulting in the substitution of lysine 317 by glutamic acid. PM2_Supporting: Present at very low frequency in the gnomAD v4.1.0 database. BP4_Moderate: The computational metapredictor REVEL score = 0.101 ≤ 0.183, indicating that the variant would not have an effect on the CHEK2 protein.

Ambry Genetics
Classification: Likely benign for Hereditary cancer-predisposing syndrome. Last evaluated: 2024-12-17. Review status: criteria provided, single submitter. Criteria: Ambry Variant Classification Scheme 2023. Collection method: clinical testing. Allele origin: germline.

Baylor Genetics
Classification: Uncertain significance for Familial cancer of breast. Last evaluated: 2024-01-04. Review status: criteria provided, single submitter. Criteria: ACMG Guidelines, 2015. Collection method: clinical testing. Allele origin: unknown.

CHEO Genetics Diagnostic Laboratory, Children's Hospital of Eastern Ontario
Classification: Uncertain significance for Breast and/or ovarian cancer. Last evaluated: 2023-04-25. Review status: criteria provided, single submitter. Criteria: ACMG Guidelines, 2015. Collection method: clinical testing. Allele origin: germline.

Myriad Genetics, Inc.
Classification: Uncertain significance for Familial cancer of breast. Last evaluated: 2023-03-09. Review status: criteria provided, single submitter. Criteria: Myriad Autosomal Dominant, Autosomal Recessive and X-Linked Classification Criteria (2023). Collection method: clinical testing. Allele origin: unknown.
Comment: This variant is classified as a variant of uncertain significance as there is insufficient evidence to determine its impact on protein function and/or cancer risk.

Color Diagnostics, LLC DBA Color Health
Classification: Uncertain significance for Hereditary cancer-predisposing syndrome. Last evaluated: 2022-11-16. Review status: criteria provided, single submitter. Criteria: ACMG Guidelines, 2015. Collection method: clinical testing. Allele origin: germline.
Comment: This missense variant replaces lysine with glutamic acid at codon 317 of the CHEK2 protein. Computational prediction suggests that this variant may not impact protein structure and function (internally defined REVEL score threshold <= 0.5, PMID: 27666373). To our knowledge, functional studies have not been reported for this variant. This variant has been reported in an individual affected with colorectal cancer (PMID: 28135145). This variant has also been identified in 2/251486 chromosomes in the general population by the Genome Aggregation Database (gnomAD). The available evidence is insufficient to determine the role of this variant in disease conclusively. Therefore, this variant is classified as a Variant of Uncertain Significance.

Blueprint Genetics
Classification: Uncertain significance. Last evaluated: 2019-11-22. Review status: criteria provided, single submitter. Criteria: ACMG Guidelines, 2015. Collection method: clinical testing. Allele origin: germline.

GeneDx
Classification: Uncertain significance. Last evaluated: 2016-05-16. Review status: criteria provided, single submitter. Criteria: GeneDx Variant Classification (06012015). Collection method: clinical testing. Allele origin: germline. Affected: yes.
Comment: This variant is denoted CHEK2 c.949A>G at the cDNA level, p.Lys317Glu (K317E) at the protein level, and results in the change of a Lysine to a Glutamic Acid (AAA>GAA). This variant has not, to our knowledge, been published in the literature as pathogenic or benign. CHEK2 Lys317Glu was not observed in approximately 6,500 individuals of European and African American ancestry in the NHLBI Exome Sequencing Project, suggesting it is not a common benign variant in these populations. Since Lysine and Glutamic Acid differ in polarity, charge, size or other properties, this is considered a non-conservative amino acid substitution. CHEK2 Lys317Glu occurs at a position that is not conserved and is located within the protein kinase domain (Desrichard 2011, Roeb 2012). In silico analyses predict that this variant is unlikely to alter protein structure or function. Based on currently available evidence, it is unclear whether CHEK2 Lys317Glu is a pathogenic or benign variant. We consider it to be a variant of uncertain significance.

Counsyl
Classification: Uncertain significance for Familial cancer of breast. Last evaluated: 2018-02-22. Review status: no assertion criteria provided. Collection method: clinical testing. Allele origin: unknown. Not counted in ClinVar's aggregate classification.

Literature cited by the submitters: PubMed 28135145 (cited by 3 submitters); PubMed 34326862 (cited by Women's Health and Genetics/Laboratory Corporation of America, LabCorp and Labcorp Genetics (formerly Invitae), Labcorp).